The following is an entry in ClinVar:

ClinVar aggregate classification (germline): Uncertain significance. Review status: criteria provided, multiple submitters, no conflicts (2 of 4 stars). 3 submissions from 3 submitters: Uncertain significance (3). Last evaluated 2025-10-21.

Conditions:
Inborn genetic diseases. Identifiers: MedGen C0950123, MeSH D030342.

Allele frequency attached by ClinVar (database versions not stated): ExAC 0.00007; gnomAD 0.00007 and 0.00008; TOPMed 0.00012; ESP Exome Variant Server 0.00031.
gnomAD v4.1: 40 of 1,612,348 alleles (0.0025%); highest among the groups gnomAD compares: Admixed American, 0.017%; no homozygotes.

Submissions (3):

Ambry Genetics
Classification: Uncertain significance for Inborn genetic diseases. Last evaluated: 2025-10-21. Review status: criteria provided, single submitter. Criteria: Ambry Variant Classification Scheme 2023. Collection method: clinical testing. Allele origin: germline.

Blueprint Genetics
Classification: Uncertain significance. Last evaluated: 2024-04-22. Review status: criteria provided, single submitter. Criteria: ACMG Guidelines, 2015. Collection method: clinical testing. Allele origin: germline.

Labcorp Genetics (formerly Invitae), Labcorp
Classification: Uncertain significance. Last evaluated: 2023-11-25. Review status: criteria provided, single submitter. Criteria: Invitae Variant Classification Sherloc (09022015). Collection method: clinical testing. Allele origin: germline.
Comment: This sequence change replaces arginine, which is basic and polar, with tryptophan, which is neutral and slightly polar, at codon 296 of the ADAM9 protein (p.Arg296Trp). This variant is present in population databases (rs146108214, gnomAD 0.02%). This missense change has been observed in individual(s) with autosomal recessive cone-rod dystrophy (Invitae). ClinVar contains an entry for this variant (Variation ID: 840133). Advanced modeling of protein sequence and biophysical properties (such as structural, functional, and spatial information, amino acid conservation, physicochemical variation, residue mobility, and thermodynamic stability) performed at Invitae indicates that this missense variant is not expected to disrupt ADAM9 protein function with a negative predictive value of 80%. In summary, the available evidence is currently insufficient to determine the role of this variant in disease. Therefore, it has been classified as a Variant of Uncertain Significance.

NM_003816.3(ADAM9):c.886C>T (p.Arg296Trp)

Gene: ADAM9 (ADAM metallopeptidase domain 9; plus strand). Cytogenetic location: 8p11.22.
Variant type: single nucleotide variant.
Coding change: c.886C>T on transcript NM_003816.3 (MANE Select); coding-DNA position 886, C replaced by T.
Protein change: p.Arg296Trp; replaces arginine 296 with tryptophan.
Molecular consequence: missense variant. On other transcripts: non-coding transcript variant (3).
Genome position (GRCh38, 1-based): chr8:39,023,297, C>T. VCF-style: chr8-39023297-C-T. GRCh37 (hg19) VCF-style: chr8-38880816-C-T.
Other names: short protein forms R296W.
Identifiers: ClinVar variation 840133 (VCV000840133.6), dbSNP rs146108214, ClinGen allele CA4721467.